The following is an entry in ClinVar:

ClinVar aggregate classification (germline): Uncertain significance. Review status: criteria provided, multiple submitters, no conflicts (2 of 4 stars). 3 submissions from 3 submitters: Uncertain significance (3). Last evaluated 2025-03-24.

Conditions:
Cardiovascular phenotype. Identifiers: MedGen CN230736.
Hypertrophic cardiomyopathy 12. Identifiers: MedGen C2677491, MONDO:0012804, OMIM 612124.
Dilated cardiomyopathy 1M (CMD1M). Identifiers: Orphanet 154, MedGen C1843808, MONDO:0011840, OMIM 607482.

Allele frequency attached by ClinVar (database versions not stated): ExAC 0.00002; gnomAD exomes 0.00001; TOPMed below 0.00001; ESP Exome Variant Server 0.00008.
gnomAD v4.1: 14 of 1,614,134 alleles (0.00087%); highest among the groups gnomAD compares: Non-Finnish European, 0.0012%; no homozygotes.

Submissions (3):

Labcorp Genetics (formerly Invitae), Labcorp
Classification: Uncertain significance for Hypertrophic cardiomyopathy 12; Dilated cardiomyopathy 1M. Last evaluated: 2025-03-24. Review status: criteria provided, single submitter. Criteria: Invitae Variant Classification Sherloc (09022015). Collection method: clinical testing. Allele origin: germline.
Comment: This sequence change replaces lysine, which is basic and polar, with asparagine, which is neutral and polar, at codon 192 of the CSRP3 protein (p.Lys192Asn). This variant is present in population databases (rs141100524, gnomAD 0.002%). This variant has not been reported in the literature in individuals affected with CSRP3-related conditions. ClinVar contains an entry for this variant (Variation ID: 1398424). An algorithm developed to predict the effect of missense changes on protein structure and function (PolyPhen-2) suggests that this variant is likely to be tolerated. In summary, the available evidence is currently insufficient to determine the role of this variant in disease. Therefore, it has been classified as a Variant of Uncertain Significance.

Ambry Genetics
Classification: Uncertain significance for Cardiovascular phenotype. Last evaluated: 2023-11-14. Review status: criteria provided, single submitter. Criteria: Ambry Variant Classification Scheme 2023. Collection method: clinical testing. Allele origin: germline.
Comment: The p.K192N variant (also known as c.576G>C), located in coding exon 5 of the CSRP3 gene, results from a G to C substitution at nucleotide position 576. The lysine at codon 192 is replaced by asparagine, an amino acid with similar properties. This amino acid position is well conserved in available vertebrate species. In addition, this alteration is predicted to be tolerated by in silico analysis. Since supporting evidence is limited at this time, the clinical significance of this alteration remains unclear.

Breakthrough Genomics
Classification: Uncertain significance. Review status: criteria provided, single submitter. Criteria: ACMG Guidelines, 2015. Collection method: not provided. Allele origin: germline. Inheritance: Autosomal dominant inheritance. Affected: yes.

NM_003476.5(CSRP3):c.576G>C (p.Lys192Asn)

Gene: CSRP3 (cysteine and glycine rich protein 3; minus strand). Cytogenetic location: 11p15.1.
Variant type: single nucleotide variant.
Coding change: c.576G>C on transcript NM_003476.5 (MANE Select); coding-DNA position 576, G replaced by C.
Protein change: p.Lys192Asn; replaces lysine 192 with asparagine.
Molecular consequence: missense variant.
Genome position (GRCh38, 1-based): chr11:19,182,679, C>G on the plus strand (G>C on the coding strand, the complement: CSRP3 is on the minus strand). VCF-style: chr11-19182679-C-G. GRCh37 (hg19) VCF-style: chr11-19204226-C-G.
Other names: c.407G>C, p.Arg136Thr (NM_001369404.1); short protein forms K192N, R136T.
Identifiers: ClinVar variation 1398424 (VCV001398424.11), dbSNP rs141100524, ClinGen allele CA5916502.